The following is an entry in ClinVar:

ClinVar aggregate classification (germline): Uncertain significance. Review status: criteria provided, multiple submitters, no conflicts (2 of 4 stars). 3 submissions from 3 submitters: Uncertain significance (3). Last evaluated 2025-12-08.

Conditions:
Hereditary cancer-predisposing syndrome. Also called: Neoplastic Syndromes, Hereditary; Hereditary Cancer Syndrome; Tumor predisposition; Hereditary neoplastic syndrome. Identifiers: Orphanet 140162, MedGen C0027672, MeSH D009386, MONDO:0015356.
Familial adenomatous polyposis 2. Also called: MUTYH-associated polyposis; MUTYH Polyposis; FAP type 2; Adenomas, multiple colorectal; COLORECTAL ADENOMATOUS POLYPOSIS, AUTOSOMAL RECESSIVE; ADENOMAS, MULTIPLE COLORECTAL, AUTOSOMAL RECESSIVE. Identifiers: Orphanet 220460, Orphanet 247798, MedGen C3272841, MONDO:0012041, OMIM 608456.

gnomAD v4.1: 1 of 1,614,184 alleles (0.000062%); no homozygotes.

Submissions (3):

Labcorp Genetics (formerly Invitae), Labcorp
Classification: Uncertain significance for Familial adenomatous polyposis 2. Last evaluated: 2025-12-08. Review status: criteria provided, single submitter. Criteria: Invitae Variant Classification Sherloc (09022015). Collection method: clinical testing. Allele origin: germline.
Comment: This sequence change replaces proline, which is neutral and non-polar, with serine, which is neutral and polar, at codon 292 of the MUTYH protein (p.Pro292Ser). This variant is not present in population databases (gnomAD no frequency). This variant has not been reported in the literature in individuals affected with MUTYH-related conditions. ClinVar contains an entry for this variant (Variation ID: 141703). An algorithm developed to predict the effect of missense changes on protein structure and function (PolyPhen-2) suggests that this variant is likely to be disruptive. In summary, the available evidence is currently insufficient to determine the role of this variant in disease. Therefore, it has been classified as a Variant of Uncertain Significance.

Ambry Genetics
Classification: Uncertain significance for Hereditary cancer-predisposing syndrome. Last evaluated: 2024-05-20. Review status: criteria provided, single submitter. Criteria: Ambry Variant Classification Scheme 2023. Collection method: clinical testing. Allele origin: germline.
Comment: The p.P292S variant (also known as c.874C>T), located in coding exon 10 of the MUTYH gene, results from a C to T substitution at nucleotide position 874. The proline at codon 292 is replaced by serine, an amino acid with similar properties. This amino acid position is highly conserved in available vertebrate species. In addition, this alteration is predicted to be deleterious by in silico analysis. Since supporting evidence is limited at this time, the clinical significance of this alteration remains unclear.

All of Us Research Program, National Institutes of Health
Classification: Uncertain significance for Familial adenomatous polyposis 2. Last evaluated: 2023-12-13. Review status: criteria provided, single submitter. Criteria: ACMG Guidelines, 2015. Collection method: clinical testing. Allele origin: germline. Inheritance: Autosomal recessive inheritance. Observed: 2 variant alleles, 2 heterozygotes.
Comment: This missense variant replaces proline with serine at codon 292 of the MUTYH protein. Computational prediction suggests that this variant may have deleterious impact on protein structure and function (internally defined REVEL score threshold >= 0.7, PMID: 27666373). To our knowledge, functional studies have not been reported for this variant. This variant has not been reported in individuals affected with hereditary cancer in the literature. This variant has not been identified in the general population by the Genome Aggregation Database (gnomAD). The available evidence is insufficient to determine the role of this variant in disease conclusively. Therefore, this variant is classified as a Variant of Uncertain Significance.

This study involves interpretation of variants in research participants for the purpose of population health screening. Participant phenotype was not available at the time of variant classification. Additional details can be found in publication PMID: 35346344, PMCID: PMC8962531

NM_001048174.2(MUTYH):c.790C>T (p.Pro264Ser)

Gene: MUTYH (mutY DNA glycosylase; minus strand). Cytogenetic location: 1p34.1.
Variant type: single nucleotide variant.
Coding change: c.790C>T on transcript NM_001048174.2 (MANE Select); coding-DNA position 790, C replaced by T.
Protein change: p.Pro264Ser; replaces proline 264 with serine.
Molecular consequence: missense variant. On other transcripts: non-coding transcript variant (2).
Genome position (GRCh38, 1-based): chr1:45,332,225, G>A on the plus strand (C>T on the coding strand, the complement: MUTYH is on the minus strand). VCF-style: chr1-45332225-G-A. GRCh37 (hg19) VCF-style: chr1-45797897-G-A.
Other names: c.790C>T, p.Pro264Ser (NM_001048171.2, NM_001048173.2, NM_001293195.2); c.793C>T, p.Pro265Ser (NM_001048172.2); c.874C>T, p.Pro292Ser (NM_001128425.2); c.835C>T, p.Pro279Ser (NM_001293190.2); c.823C>T, p.Pro275Ser (NM_001293191.2); c.514C>T, p.Pro172Ser (NM_001293192.2, NM_001293196.2); c.445C>T, p.Pro149Ser (NM_001350650.2, NM_001350651.2); c.865C>T, p.Pro289Ser (NM_012222.3); short protein forms P292S, P275S, P264S, P279S, P172S, P149S, P265S, P289S.
Identifiers: ClinVar variation 141703 (VCV000141703.13), dbSNP rs587781949, ClinGen allele CA014523.